The following is an entry in ClinVar:

ClinVar aggregate classification (germline): Uncertain significance (1 of 4 stars; one submission).

Submission:

Labcorp Genetics (formerly Invitae), Labcorp
Classification: Uncertain significance. Last evaluated: 2023-04-10. Review status: criteria provided, single submitter. Criteria: Invitae Variant Classification Sherloc (09022015). Collection method: clinical testing. Allele origin: germline.
Comment: In summary, the available evidence is currently insufficient to determine the role of this variant in disease. Therefore, it has been classified as a Variant of Uncertain Significance. An algorithm developed to predict the effect of missense changes on protein structure and function (PolyPhen-2) suggests that this variant is likely to be tolerated. This variant has not been reported in the literature in individuals affected with RNF31-related conditions. This variant is not present in population databases (gnomAD no frequency). This sequence change replaces glycine, which is neutral and non-polar, with arginine, which is basic and polar, at codon 260 of the RNF31 protein (p.Gly260Arg).

NM_017999.5(RNF31):c.778G>A (p.Gly260Arg)

Gene: RNF31 (ring finger protein 31; plus strand). Cytogenetic location: 14q12.
Variant type: single nucleotide variant.
Coding change: c.778G>A on transcript NM_017999.5 (MANE Select); coding-DNA position 778, G replaced by A.
Protein change: p.Gly260Arg; replaces glycine 260 with arginine.
Molecular consequence: missense variant.
Genome position (GRCh38, 1-based): chr14:24,149,552, G>A. VCF-style: chr14-24149552-G-A. GRCh37 (hg19) VCF-style: chr14-24618761-G-A.
Other names: c.325G>A, p.Gly109Arg (NM_001310332.2); short protein forms G109R, G260R.
Identifiers: ClinVar variation 2805356 (VCV002805356.3), dbSNP rs1247393359, ClinGen allele CA389291045.